The following is an entry in ClinVar:

NM_004113.6(FGF12):c.426A>G (p.Glu142=)

Gene: FGF12 (fibroblast growth factor 12; minus strand). Cytogenetic location: 3q28.
Variant type: single nucleotide variant.
Coding change: c.426A>G on transcript NM_004113.6 (MANE Select); coding-DNA position 426, A replaced by G.
Protein change: p.Glu142=; no amino-acid change (glutamic acid 142 retained).
Molecular consequence: synonymous variant.
Genome position (GRCh38, 1-based): chr3:192,170,459, T>C on the plus strand (A>G on the coding strand, the complement: FGF12 is on the minus strand). VCF-style: chr3-192170459-T-C. GRCh37 (hg19) VCF-style: chr3-191888248-T-C.
Other names: c.315A>G, p.Glu105= (NM_001377292.1); c.354A>G, p.Glu118= (NM_001377293.1, NM_001377294.1); c.612A>G, p.Glu204= (NM_021032.5).
Identifiers: ClinVar variation 4753338 (VCV004753338.1).

ClinVar aggregate classification (germline): Uncertain significance (1 of 4 stars; one submission).

Submission:

Labcorp Genetics (formerly Invitae), Labcorp
Classification: Uncertain significance. Last evaluated: 2025-09-10. Review status: criteria provided, single submitter. Criteria: Invitae Variant Classification Sherloc (09022015). Collection method: clinical testing. Allele origin: germline.
Comment: This sequence change affects codon 204 of the FGF12 mRNA. It is a 'silent' change, meaning that it does not change the encoded amino acid sequence of the FGF12 protein. It affects a nucleotide within the consensus splice site. This variant is not present in population databases (gnomAD no frequency). This variant has not been reported in the literature in individuals affected with FGF12-related conditions. Algorithms developed to predict the effect of sequence changes on RNA splicing suggest that this variant is not likely to affect RNA splicing. In summary, the available evidence is currently insufficient to determine the role of this variant in disease. Therefore, it has been classified as a Variant of Uncertain Significance.